The following is an entry in ClinVar:

NM_001164508.2(NEB):c.10181T>C (p.Ile3394Thr)

Gene: NEB (nebulin; minus strand). Cytogenetic location: 2q23.3.
Variant type: single nucleotide variant.
Coding change: c.10181T>C on transcript NM_001164508.2 (MANE Select); coding-DNA position 10181, T replaced by C.
Protein change: p.Ile3394Thr; replaces isoleucine 3394 with threonine.
Molecular consequence: missense variant.
Genome position (GRCh38, 1-based): chr2:151,627,168, A>G on the plus strand (T>C on the coding strand, the complement: NEB is on the minus strand). VCF-style: chr2-151627168-A-G. GRCh37 (hg19) VCF-style: chr2-152483682-A-G.
Other names: c.10181T>C, p.Ile3394Thr (NM_001164507.2, NM_001271208.2); c.9452T>C, p.Ile3151Thr (NM_004543.5); short protein forms I3394T, I3151T.
Identifiers: ClinVar variation 331481 (VCV000331481.24), dbSNP rs376182104, ClinGen allele CA1909096.

ClinVar aggregate classification (germline): Uncertain significance. Review status: criteria provided, multiple submitters, no conflicts (2 of 4 stars). 9 submissions from 9 submitters: Uncertain significance (8). 1 of the submissions does not count toward it. Last evaluated 2026-03-10.

Conditions:
Nemaline myopathy 2 (NEM2). Also called: Nemaline myopathy 2, autosomal recessive. Identifiers: MedGen C1850569, MONDO:0009725, OMIM 256030.
Arthrogryposis multiplex congenita 6. Identifiers: MedGen C5543431, MONDO:0030281, OMIM 619334.
NEB-related disorder. Also called: NEB-Related Disorders; NEB-related condition.
Inborn genetic diseases. Identifiers: MedGen C0950123, MeSH D030342.

Allele frequency attached by ClinVar (database versions not stated): gnomAD exomes 0.00002 and 0.00004; ExAC 0.00005; gnomAD 0.00009 and 0.00010; ESP Exome Variant Server 0.00016; TOPMed 0.00017.
gnomAD v4.1: 53 of 1,613,866 alleles (0.0033%); highest among the groups gnomAD compares: Admixed American, 0.028%; no homozygotes.

Submissions (9):

PreventionGenetics, part of Exact Sciences
Classification: Uncertain significance for NEB-related condition. Last evaluated: 2026-03-10. Review status: criteria provided, single submitter. Criteria: ACMG Guidelines, 2015. Collection method: clinical testing. Allele origin: germline.
Comment: The NEB c.10181T>C variant is predicted to result in the amino acid substitution p.Ile3394Thr. To our knowledge, this variant has not been reported in the literature. This variant is reported in 0.0099% of alleles in individuals of Ashkenazi Jewish descent in gnomAD. At this time, the clinical significance of this variant is uncertain due to the absence of conclusive functional and genetic evidence.

Revvity Omics, Revvity
Classification: Uncertain significance. Last evaluated: 2024-01-17. Review status: criteria provided, single submitter. Criteria: ACMG Guidelines, 2015. Collection method: clinical testing. Allele origin: germline.

GeneDx
Classification: Uncertain significance. Last evaluated: 2023-04-19. Review status: criteria provided, single submitter. Criteria: GeneDx Variant Classification Process June 2021. Collection method: clinical testing. Allele origin: germline. Affected: yes.
Comment: Not observed at a significant frequency in large population cohorts (gnomAD); In silico analysis supports that this missense variant does not alter protein structure/function; Has not been previously published as pathogenic or benign to our knowledge

Labcorp Genetics (formerly Invitae), Labcorp
Classification: Uncertain significance for Nemaline myopathy 2. Last evaluated: 2022-06-22. Review status: criteria provided, single submitter. Criteria: Invitae Variant Classification Sherloc (09022015). Collection method: clinical testing. Allele origin: germline.
Comment: This sequence change replaces isoleucine, which is neutral and non-polar, with threonine, which is neutral and polar, at codon 3394 of the NEB protein (p.Ile3394Thr). This variant is present in population databases (rs376182104, gnomAD 0.01%). This variant has not been reported in the literature in individuals affected with NEB-related conditions. ClinVar contains an entry for this variant (Variation ID: 331481). Algorithms developed to predict the effect of missense changes on protein structure and function are either unavailable or do not agree on the potential impact of this missense change (SIFT: "Deleterious"; PolyPhen-2: "Not Available"; Align-GVGD: "Class C0"). In summary, the available evidence is currently insufficient to determine the role of this variant in disease. Therefore, it has been classified as a Variant of Uncertain Significance.

Ambry Genetics
Classification: Uncertain significance for Inborn genetic diseases. Last evaluated: 2021-09-17. Review status: criteria provided, single submitter. Criteria: Ambry Variant Classification Scheme 2023. Collection method: clinical testing. Allele origin: germline.

Department of Pathology and Laboratory Medicine, Sinai Health System
Classification: Uncertain significance for Nemaline myopathy 2; Arthrogryposis multiplex congenita 6. Last evaluated: 2021-07-30. Review status: criteria provided, single submitter. Criteria: ACMG Guidelines, 2015. Collection method: research. Allele origin: germline.

Fulgent Genetics
Classification: Uncertain significance for Nemaline myopathy 2. Last evaluated: 2018-10-31. Review status: criteria provided, single submitter. Criteria: ACMG Guidelines, 2015. Collection method: clinical testing. Allele origin: unknown.

Illumina Laboratory Services, Illumina
Classification: Uncertain significance for Nemaline myopathy 2. Last evaluated: 2018-01-12. Review status: criteria provided, single submitter. Criteria: ICSL Variant Classification Criteria 13 December 2019. Collection method: clinical testing. Allele origin: germline.

Natera, Inc.
Classification: Uncertain significance for Nemaline myopathy type 2. Last evaluated: 2020-03-20. Review status: no assertion criteria provided. Collection method: clinical testing. Allele origin: germline. Not counted in ClinVar's aggregate classification.